The following is an entry in ClinVar:

NM_003105.6(SORL1):c.5305A>G (p.Met1769Val)

Gene: SORL1 (sortilin related receptor 1; plus strand). Cytogenetic location: 11q24.1.
Variant type: single nucleotide variant.
Coding change: c.5305A>G on transcript NM_003105.6 (MANE Select); coding-DNA position 5305, A replaced by G.
Protein change: p.Met1769Val; replaces methionine 1769 with valine.
Molecular consequence: missense variant.
Genome position (GRCh38, 1-based): chr11:121,611,141, A>G. VCF-style: chr11-121611141-A-G. GRCh37 (hg19) VCF-style: chr11-121481850-A-G.
Other names: short protein forms M1769V.
Identifiers: ClinVar variation 4989239 (VCV004989239.1).

ClinVar aggregate classification (germline): Uncertain significance (1 of 4 stars; one submission).

Conditions:
SORL1-related disorder. Also called: SORL1-related condition.

Submission:

PreventionGenetics, part of Exact Sciences
Classification: Uncertain significance for SORL1-related condition. Last evaluated: 2026-09-24. Review status: criteria provided, single submitter. Criteria: ACMG Guidelines, 2015. Collection method: clinical testing. Allele origin: germline.
Comment: The SORL1 c.5305A>G variant is predicted to result in the amino acid substitution p.Met1769Val. To our knowledge, this variant has not been reported in the literature. This variant is reported in 0.011% of alleles in individuals of East Asian descent in gnomAD. At this time, the clinical significance of this variant is uncertain due to the absence of conclusive functional and genetic evidence.